The following is an entry in ClinVar:

NM_000059.4(BRCA2):c.9256_9256+1delinsTA

Gene: BRCA2 (BRCA2 DNA repair associated; plus strand). Cytogenetic location: 13q13.1.
Variant type: Indel.
Coding change: c.9256_9256+1delinsTA on transcript NM_000059.4 (MANE Select); coding-DNA position 9256 through the canonical splice donor site of the intron after coding-DNA position 9256, GG replaced by TA.
Molecular consequence: splice donor variant.
Genome position (GRCh38, 1-based): chr13:32,380,145-32,380,146, GG replaced by TA. VCF-style: chr13-32380145-GG-TA. GRCh37 (hg19) VCF-style: chr13-32954282-GG-TA.
Other names: c.9256_9256+1delGGinsTA (NM_000059.3).
Identifiers: ClinVar variation 140992 (VCV000140992.17), dbSNP rs587781422, ClinGen allele CA164149.
Genomic context (GRCh38, chr13:32,380,145, plus strand): 5'-CAGCCATCTTGTTCTGAGGTGGACCTAATAGGATTTGTCGTTTCTGTTGTGAAAAAAACA[GG>TA]TAATGCACAATATAGTTAATTTTTTTTATTGATTCTTTTAAAAAACATTGTCTTTTAAAA-3'

ClinVar aggregate classification (germline): Pathogenic/Likely pathogenic. Review status: criteria provided, multiple submitters, no conflicts (2 of 4 stars). 6 submissions from 6 submitters: Pathogenic (5); Likely pathogenic (1). Last evaluated 2025-08-29.

Conditions:
Hereditary cancer-predisposing syndrome. Also called: Neoplastic Syndromes, Hereditary; Tumor predisposition; Hereditary Cancer Syndrome; Hereditary neoplastic syndrome. Identifiers: Orphanet 140162, MedGen C0027672, MeSH D009386, MONDO:0015356.
Hereditary breast ovarian cancer syndrome. Also called: Breast and ovarian cancer; Hereditary breast and ovarian cancer; Hereditary breast and/or ovarian cancer syndrome; BRCA1- and BRCA2-Associated Hereditary Breast and Ovarian Cancer; Hereditary breast and ovarian cancer syndrome; Hereditary breast and ovarian cancer syndrome (HBOC). Identifiers: Orphanet 145, MedGen C0677776, MeSH D061325, MONDO:0003582. Disease mechanism: loss of function.
Familial cancer of breast. Also called: BREAST CANCER, FAMILIAL; Hereditary breast cancer; hereditary breast carcinoma. Identifiers: Orphanet 227535, MedGen C0346153, MONDO:0016419, OMIM 114480. Disease mechanism: loss of function.

Submissions (6):

Color Diagnostics, LLC DBA Color Health
Classification: Pathogenic for Hereditary cancer-predisposing syndrome. Last evaluated: 2025-08-29. Review status: criteria provided, single submitter. Criteria: ACMG Guidelines, 2015. Collection method: clinical testing. Allele origin: germline.
Comment: This variant deletes the last nucleotide of exon 24 and the first nucleotide of intron 24 in the BRCA2 gene, causing a nonsense variant c.9256G>T (p.Gly3086Ter) and a splicing variant c.9256+1G>A. RNA studies have reported that c.9256+1G>A causes out-of-frame skipping due to mainly the skipping of exon 24 or the deletion of the last 43 nucleotides of exon 24 (PMID: 12759930, 25382762). All these changes in the BRCA2 mRNA are expected to introduce a premature termination codon and to cause an absence of BRCA2 protein. To our knowledge, functional and RNA studies have not been reported for this variant, c.9256_9256+1delinsTA. However, single nucleotide substitutions c.9256+1G>A and c.9256G>T (p.Gly3086Ter) have been reported to impact BRCA2 function in a haploid cell proliferation assay and in sensitivity assays to cisplatin and PARP inhibitor (PMID: 39779848, 39779857). To our knowledge this variant has not been reported in individuals affected with BRCA2-related disorders in the literature. This variant has not been identified in the general population by the Genome Aggregation Database (gnomAD). Loss of BRCA2 function is a known mechanism of disease. Based on the available evidence, this variant is classified as Pathogenic.

Labcorp Genetics (formerly Invitae), Labcorp
Classification: Pathogenic for Hereditary breast ovarian cancer syndrome. Last evaluated: 2025-05-07. Review status: criteria provided, single submitter. Criteria: Invitae Variant Classification Sherloc (09022015). Collection method: clinical testing. Allele origin: germline.
Comment: This variant results in the deletion of part of exon 24 (c.9256_9256+1delinsTA) of the BRCA2 gene. RNA analysis indicates that this variant induces altered splicing and may result in an absent or altered protein product. Information on the frequency of this variant in the gnomAD database is not available, as this variant may be reported differently in the database. This variant has not been reported in the literature in individuals affected with BRCA2-related conditions. ClinVar contains an entry for this variant (Variation ID: 140992). Studies have shown that this variant results in skipping of exon 24, and produces a non-functional protein and/or introduces a premature termination codon (internal data). For these reasons, this variant has been classified as Pathogenic.

Baylor Genetics
Classification: Pathogenic for Familial cancer of breast. Last evaluated: 2023-06-07. Review status: criteria provided, single submitter. Criteria: ACMG Guidelines, 2015. Collection method: clinical testing. Allele origin: unknown.

Ambry Genetics
Classification: Pathogenic for Hereditary cancer-predisposing syndrome. Last evaluated: 2023-05-16. Review status: criteria provided, single submitter. Criteria: Ambry Variant Classification Scheme 2023. Collection method: clinical testing. Allele origin: germline.
Comment: The c.9256_9256+1delGGinsTA pathogenic mutation (also known as p.G3086*), results from a GG to TA substitution spanning the last nucleotide of coding exon 23 to the first nucleotide after coding exon 23 of the BRCA2 gene. This changes the amino acid from a glycine to a stop codon at position 3086, which spans coding exons 23 and 24. In one study, the c.9256+1G>A alteration (also designated as IVS24+1G>A) was shown to produce aberrant transcripts with exon 23 skipping and premature truncation in lympocytes at the mRNA level and was detected in two individuals from a family with at least two first degree relatives with breast and/or ovarian cancer at a young ages (Claes K et al. Genes Chromosomes Cancer. 2003 Jul;37:314-20). In addition, in a separate functional study using minigene assays, the c.9256+1G>A alteration resulted in aberrant splicing, including skipping of coding exon 23 (Acedo A et al. Breast Cancer Res. 2012 May;14:R87). In addition to the clinical data presented in the literature, this alteration is expected to result in loss of function by premature protein truncation or nonsense-mediated mRNA decay. As such, this alteration is interpreted as a disease-causing mutation.

Women's Health and Genetics/Laboratory Corporation of America, LabCorp
Classification: Likely pathogenic for Hereditary breast and ovarian cancer syndrome. Last evaluated: 2017-09-07. Review status: criteria provided, single submitter. Criteria: LabCorp Variant Classification Summary - May 2015. Collection method: clinical testing. Allele origin: germline.
Comment: Variant summary: The BRCA2 c.9256_9256+1delinsTA variant involves the alteration of a conserved dinucleotide sequence (GG>TA) leading to the alteration of the canonical splice site at the boundary of exon 24 and intron 24. One in silico tool predicts a damaging outcome for this variant. 5/5 splice prediction tools predict a significant impact on normal splicing. ESE finder predicts that this variant may also affect the binding site of splicing factors (SF2/ASF, SRp40). The variant of interest has not, to our knowledge, been reported in affected individuals via publications nor evaluated for functional impact by in vivo/vitro studies. Nevertheless, single nucleotide substitution variants affecting the same dinucleotide sequence positions and leading to the same base substitutions (i.e. c.9256G>T and c.9256+1G>A) have been reported in the literature, and c.9256+1G>A was shown in in vitro studies (Acedo 2015) leading to protein truncation (through splice site destruction and exon skipping). Moreover, both variants were classified as pathogenic by clinical diagnostic laboratories/reputable databases. Based on these data, the variant of interest is expected to affect a canonical splice site or lead to a nonsense alteration, both causing protein truncation. In addition, at least one clinical diagnostic laboratory (Ambry Genetics) classified the variant of interest as pathogenic, though they provided no further evidence for independent evaluation. Taken together, this variant is classified as likely pathogenic.

GeneDx
Classification: Pathogenic. Last evaluated: 2015-06-09. Review status: criteria provided, single submitter. Criteria: GeneDx Variant Classification (06012015). Collection method: clinical testing. Allele origin: germline. Affected: yes.
Comment: This pathogenic variant is denoted BRCA2 c.9256_9256+1delGGinsTA and consists of a deletion and insertion of two nucleotides at the last nucleotide of exon 24 and the +1 position of intron 24. Using alternate nomenclature, this variant would be defined as BRCA2 9484_9484+1delGGinsTA. The normal sequence, with the bases that are deleted in braces and inserted in brackets, is AACA[Gg][Ta]taat, where the capital letters are exonic and lowercase are intronic. The variant destroys a canonical splice donor site and is predicted to cause abnormal gene splicing, leading to either an abnormal message that is subject to nonsense-mediated mRNA decay or to an abnormal protein product. This variant has not, to our knowledge, been published in the literature. Based on the currently available information, we consider BRCA2 c.9256_9256+1delGGinsTA to be a pathogenic variant.

Literature cited by the submitters: PubMed 12759930 (cited by Color Diagnostics, LLC DBA Color Health and Ambry Genetics); PubMed 25382762 (cited by Color Diagnostics, LLC DBA Color Health and Women's Health and Genetics/Laboratory Corporation of America, LabCorp); PubMed 39779848 (cited by Color Diagnostics, LLC DBA Color Health); PubMed 39779857 (cited by Color Diagnostics, LLC DBA Color Health).